The following is an entry in ClinVar:

ClinVar aggregate classification (germline): Uncertain significance. Review status: criteria provided, multiple submitters, no conflicts (2 of 4 stars). 2 submissions from 2 submitters: Uncertain significance (2). Last evaluated 2025-01-14.

Conditions:
Osteogenesis imperfecta type I (OI1). Also called: Lobstein disease; Osteogenesis imperfecta type 1; Lobstein's Disease; OI, TYPE I; OSTEOGENESIS IMPERFECTA TARDA; OSTEOGENESIS IMPERFECTA WITH BLUE SCLERAE. Identifiers: Orphanet 216796, Orphanet 666, MedGen C0023931, MONDO:0008146, OMIM 166200. Disease mechanism: loss of function.

Allele frequency attached by ClinVar (database versions not stated): gnomAD 0.00001; ExAC 0.00002; gnomAD exomes 0.00002; TOPMed 0.00002; 1000 Genomes Project 0.00020; 1000 Genomes Project 30x 0.00031.
gnomAD v4.1: 27 of 1,614,194 alleles (0.0017%); highest among the groups gnomAD compares: South Asian, 0.0033%; no homozygotes.

Submissions (2):

Women's Health and Genetics/Laboratory Corporation of America, LabCorp
Classification: Uncertain significance. Last evaluated: 2025-01-14. Review status: criteria provided, single submitter. Criteria: LabCorp Variant Classification Summary - May 2015. Collection method: clinical testing. Allele origin: germline.
Comment: Variant summary: COL1A1 c.3898G>A (p.Val1300Met) results in a conservative amino acid change located in the Fibrillar collagens C-terminal domain of the encoded protein sequence. Four of five in-silico tools predict a damaging effect of the variant on protein function. The variant allele was found at a frequency of 2.4e-05 in 251480 control chromosomes. The available data on variant occurrences in the general population are insufficient to allow any conclusion about variant significance. To our knowledge, no occurrence of c.3898G>A in individuals affected with Osteogenesis imperfecta type I and no experimental evidence demonstrating its impact on protein function have been reported. ClinVar contains an entry for this variant (Variation ID: 2056758). Based on the evidence outlined above, the variant was classified as uncertain significance.

Labcorp Genetics (formerly Invitae), Labcorp
Classification: Uncertain significance for Osteogenesis imperfecta type I. Last evaluated: 2024-10-10. Review status: criteria provided, single submitter. Criteria: Invitae Variant Classification Sherloc (09022015). Collection method: clinical testing. Allele origin: germline.
Comment: This sequence change replaces valine, which is neutral and non-polar, with methionine, which is neutral and non-polar, at codon 1300 of the COL1A1 protein (p.Val1300Met). This variant is present in population databases (rs192986202, gnomAD 0.01%). This variant has not been reported in the literature in individuals affected with COL1A1-related conditions. ClinVar contains an entry for this variant (Variation ID: 2056758). Invitae Evidence Modeling of protein sequence and biophysical properties (such as structural, functional, and spatial information, amino acid conservation, physicochemical variation, residue mobility, and thermodynamic stability) has been performed for this missense variant. However, the output from this modeling did not meet the statistical confidence thresholds required to predict the impact of this variant on COL1A1 protein function. In summary, the available evidence is currently insufficient to determine the role of this variant in disease. Therefore, it has been classified as a Variant of Uncertain Significance.

NM_000088.4(COL1A1):c.3898G>A (p.Val1300Met)

Gene: COL1A1 (collagen type I alpha 1 chain; minus strand). Cytogenetic location: 17q21.33.
Variant type: single nucleotide variant.
Coding change: c.3898G>A on transcript NM_000088.4 (MANE Select); coding-DNA position 3898, G replaced by A.
Protein change: p.Val1300Met; replaces valine 1300 with methionine.
Molecular consequence: missense variant.
Genome position (GRCh38, 1-based): chr17:50,186,424, C>T on the plus strand (G>A on the coding strand, the complement: COL1A1 is on the minus strand). VCF-style: chr17-50186424-C-T. GRCh37 (hg19) VCF-style: chr17-48263785-C-T.
Other names: short protein forms V1300M.
Identifiers: ClinVar variation 2056758 (VCV002056758.6), dbSNP rs192986202, ClinGen allele CA8644321.
Genomic context (GRCh38, chr17:50,186,424, plus strand): 5'-CCTTGGGGTTCTTGCTGATGTACCAGTTCTTCTGGGCCACACTGGGCTGAGTGGGGTACA[C>T]GCAGGTCTCACCAGTCTCCATGTTGCAGAAGACTTTGATGGCATCCAGGTTGCAGCCTTG-3'
Protein context (NP_000079.2, residues 1290-1310): FCNMETGETC[Val1300Met]YPTQPSVAQK